The following is an entry in ClinVar:

NM_002485.5(NBN):c.2117C>G (p.Ser706Ter)

Gene: NBN (nibrin; minus strand). Cytogenetic location: 8q21.3.
Variant type: single nucleotide variant.
Coding change: c.2117C>G on transcript NM_002485.5 (MANE Select); coding-DNA position 2117, C replaced by G.
Protein change: p.Ser706Ter; replaces serine 706 with a stop codon.
Molecular consequence: nonsense.
Genome position (GRCh38, 1-based): chr8:89,943,320, G>C on the plus strand (C>G on the coding strand, the complement: NBN is on the minus strand). VCF-style: chr8-89943320-G-C. GRCh37 (hg19) VCF-style: chr8-90955548-G-C.
Other names: p.S706*:TCA>TGA; c.1871C>G, p.Ser624Ter (NM_001024688.3); short protein forms S706*, S624*.
Identifiers: ClinVar variation 182728 (VCV000182728.36), dbSNP rs730881857, ClinGen allele CA299633.

ClinVar aggregate classification (germline): Pathogenic/Likely pathogenic. Review status: criteria provided, multiple submitters, no conflicts (2 of 4 stars). 10 submissions from 10 submitters: Pathogenic (7); Likely pathogenic (2). 1 of the submissions does not count toward it. Last evaluated 2026-01-29.

Conditions:
NBN-related disorder. Also called: NBN-related condition.
Malignant tumor of breast. Also called: Malignant breast neoplasm; Cancer breast. Identifiers: MedGen C0006142, MONDO:0007254. Disease mechanism: loss of function.
Microcephaly, normal intelligence and immunodeficiency (NBS). Also called: Immunodeficiency, microcephaly with normal intelligence; IMMUNODEFICIENCY, MICROCEPHALY, AND CHROMOSOMAL INSTABILITY; Ataxia telangiectasia variant V1; Nijmegen breakage syndrome; Microcephaly with normal intelligence immunodeficiency and lymphoreticular malignancies; Nonsyndromal microcephaly autosomal recessive with normal intelligence. Identifiers: Orphanet 647, MedGen C0398791, MONDO:0009623, OMIM 251260.
Hereditary cancer-predisposing syndrome. Also called: Neoplastic Syndromes, Hereditary; Tumor predisposition; Hereditary neoplastic syndrome; Hereditary Cancer Syndrome. Identifiers: Orphanet 140162, MedGen C0027672, MeSH D009386, MONDO:0015356.
Aplastic anemia. Identifiers: Orphanet 182040, Orphanet 88, MedGen C0002874, MONDO:0015909, OMIM 609135, HP:0001915.

Allele frequency attached by ClinVar (database versions not stated): gnomAD exomes below 0.00001; ExAC 0.00001; gnomAD 0.00001.
gnomAD v4.1: 4 of 1,611,854 alleles (0.00025%); highest among the groups gnomAD compares: Non-Finnish European, 0.00034%; no homozygotes.

Submissions (10):

Natera, Inc.
Classification: Pathogenic for Nijmegen breakage syndrome. Last evaluated: 2026-01-29. Review status: criteria provided, single submitter. Criteria: Natera Variant Classification Schema (03/2026). Collection method: clinical testing. Allele origin: germline.
Comment: The c.2117C>G variant in NBN is a nonsense variant predicted to introduce a stop codon at amino acid 706. This variant is expected to result in nonsense mediated decay, truncation, or a dysfunctional protein product. This variant is rare in the general population with a frequency below the threshold expected for the associated phenotype(s). Functional studies show that this variant may disrupt protein function (PMID: 38446568). Given the available evidence, this variant is classified as Pathogenic.

PreventionGenetics, part of Exact Sciences
Classification: Pathogenic for NBN-related condition. Last evaluated: 2025-03-28. Review status: criteria provided, single submitter. Criteria: ACMG Guidelines, 2015. Collection method: clinical testing. Allele origin: germline.
Comment: The NBN c.2117C>G variant is predicted to result in premature protein termination (p.Ser706*). This variant has been reported in a family with prostate cancer; however, the variant did not segregate with disease (Zuhlke et al. 2012. PubMed ID: 22864661). This variant has also been reported in individuals with melanoma and breast cancer (Aoude et al. 2020. PubMed ID: 33077847; Huang et al. 2018. PubMed ID: 29625052; Susswein et al. 2016. PubMed ID: 26681312). This variant is reported in 0.0023% of alleles in individuals of European (Non-Finnish) descent in gnomAD. Nonsense variants in NBN are expected to be pathogenic for autosomal recessive disease, and this variant has been classified as pathogenic or likely pathogenic by multiple submitters to ClinVar. This variant is interpreted as pathogenic.

Labcorp Genetics (formerly Invitae), Labcorp
Classification: Pathogenic for Microcephaly, normal intelligence and immunodeficiency. Last evaluated: 2025-01-20. Review status: criteria provided, single submitter. Criteria: Invitae Variant Classification Sherloc (09022015). Collection method: clinical testing. Allele origin: germline.
Comment: This sequence change creates a premature translational stop signal (p.Ser706*) in the NBN gene. It is expected to result in an absent or disrupted protein product. Loss-of-function variants in NBN are known to be pathogenic (PMID: 9590180, 16415040). This variant is present in population databases (rs730881857, gnomAD 0.0009%). This premature translational stop signal has been observed in individual(s) with prostate cancer and bladder cancer (PMID: 22864661). ClinVar contains an entry for this variant (Variation ID: 182728). For these reasons, this variant has been classified as Pathogenic.

Ambry Genetics
Classification: Pathogenic for Hereditary cancer-predisposing syndrome. Last evaluated: 2024-11-06. Review status: criteria provided, single submitter. Criteria: Ambry Variant Classification Scheme 2023. Collection method: clinical testing. Allele origin: germline.
Comment: The p.S706* pathogenic mutation (also known as c.2117C>G), located in coding exon 14 of the NBN gene, results from a C to G substitution at nucleotide position 2117. This changes the amino acid from a serine to a stop codon within coding exon 14. This mutation has previously been reported in a family with hereditary prostate cancer (Zuhlke KA et al. Fam. Cancer. 2012 Dec;11:595-600) and in an individual with a personal history of breast cancer (Susswein LR et al. Genet. Med. 2016 Aug;18:823-32). In addition to the clinical data presented in the literature, this alteration is expected to result in loss of function by premature protein truncation or nonsense-mediated mRNA decay. As such, this alteration is interpreted as a disease-causing mutation.

GeneDx
Classification: Likely pathogenic. Last evaluated: 2024-03-08. Review status: criteria provided, single submitter. Criteria: GeneDx Variant Classification Process June 2021. Collection method: clinical testing. Allele origin: germline. Affected: yes.
Comment: Nonsense variant predicted to result in protein truncation or nonsense mediated decay in a gene for which loss of function is a known mechanism of disease; Not observed at significant frequency in large population cohorts (gnomAD); Observed in individuals with a personal and/or family history of breast, prostate, and other cancers (PMID: 26681312, 22864661, 29625052); This variant is associated with the following publications: (PMID: 23149842, 26681312, 22864661, 32875559, 29625052, 30590007, 33077847, 35434237, Mendhiratta2023[abstract], 29922827, 36451132, 33047316, 36495689)

Baylor Genetics
Classification: Pathogenic for Aplastic anemia. Last evaluated: 2024-02-28. Review status: criteria provided, single submitter. Criteria: ACMG Guidelines, 2015. Collection method: clinical testing. Allele origin: unknown.

Genome-Nilou Lab
Classification: Pathogenic for Microcephaly, normal intelligence and immunodeficiency. Last evaluated: 2021-11-07. Review status: criteria provided, single submitter. Criteria: ACMG Guidelines, 2015. Collection method: clinical testing. Allele origin: germline. Affected: no.

Sema4
Classification: Likely pathogenic for Hereditary cancer-predisposing syndrome. Last evaluated: 2021-02-19. Review status: criteria provided, single submitter. Criteria: Sema4 Curation Guidelines. Collection method: curation. Allele origin: germline.
Comment: The NBN c.2117C>G (p.S706X) variant has been reported in heterozygosity in at least one family with prostate and/or bladder cancer, at least one individual with breast cancer, and at least one individual with skin cutaneous melanoma individuals with hereditary breast and/or ovarian cancer (PMID: 22864661, 26681312, 29625052). This nonsense variant creates a premature stop codon at residue 706 of the nibrin protein. This variant was observed in 3/129042 chromosomes in the Non-Finnish European population, with 0 homozygotes, according to the Genome Aggregation Database (PMID: 32461654). Based on the current evidence available, this variant is interpreted as likely pathogenic.

Women's Health and Genetics/Laboratory Corporation of America, LabCorp
Classification: Pathogenic for Microcephaly, normal intelligence and immunodeficiency. Last evaluated: 2018-06-25. Review status: criteria provided, single submitter. Criteria: LabCorp Variant Classification Summary - May 2015. Collection method: clinical testing. Allele origin: germline.
Comment: Variant summary: NBN c.2117C>G (p.Ser706X) results in a premature termination codon, predicted to cause a truncation of the encoded protein in a highly conserved region of NBN near the MRE11 binding site due to nonsense mediated decay, which are commonly known mechanisms for disease. The variant allele was found at a frequency of 4e-06 in 247890 control chromosomes (gnomAD and controls). The variant, c.2117C>G, has been reported in the literature in individuals affected with Hereditary Breast cancer, along with one family, Zuhkle_2012, in whom the variant was reported to partially co-segregate with prostate cancer. Individuals who are heterozygous for NBN mutations are clinically asymptomatic, but may display an elevated risk for certain cancers including, but not limited to, ovarian and prostate cancer as well as various lymphoid malignancies. To our knowledge, no experimental evidence demonstrating an impact on protein function has been reported. Five ClinVar submissions from clinical diagnostic laboratories (evaluation after 2014) cites the variant as "likely pathogenic/pathogenic." Based on the evidence outlined above, the variant was classified as pathogenic.

Counsyl
Classification: Likely pathogenic for Microcephaly, normal intelligence and immunodeficiency. Last evaluated: 2015-12-21. Review status: no assertion criteria provided. Collection method: clinical testing. Allele origin: unknown. Not counted in ClinVar's aggregate classification.

Literature cited by the submitters: PubMed 38446568 (cited by Natera, Inc.); PubMed 9590180 (cited by Labcorp Genetics (formerly Invitae), Labcorp); PubMed 16415040 (cited by Labcorp Genetics (formerly Invitae), Labcorp); PubMed 22864661 (cited by 4 submitters); PubMed 23149842 (cited by Ambry Genetics); PubMed 26681312 (cited by 3 submitters); PubMed 29625052 (cited by Ambry Genetics and Sema4); PubMed 29922827 (cited by Ambry Genetics).